The following is an entry in ClinVar:

NM_001130438.3(SPTAN1):c.3202C>G (p.Gln1068Glu)

Gene: SPTAN1 (spectrin alpha, non-erythrocytic 1; plus strand). Cytogenetic location: 9q34.11.
Variant type: single nucleotide variant.
Coding change: c.3202C>G on transcript NM_001130438.3 (MANE Select); coding-DNA position 3202, C replaced by G.
Protein change: p.Gln1068Glu; replaces glutamine 1068 with glutamic acid.
Molecular consequence: missense variant. On other transcripts: intron variant (3).
Genome position (GRCh38, 1-based): chr9:128,593,029, C>G. VCF-style: chr9-128593029-C-G. GRCh37 (hg19) VCF-style: chr9-131355308-C-G.
Other names: c.3202C>G, p.Gln1068Glu (NM_001363759.2, NM_001375310.1, NM_001375311.2 and 2 more transcripts); c.3238C>G, p.Gln1080Glu (NM_001375312.2, NM_001375318.1); c.3156-1146C>G (NM_001375314.2, NM_001363765.2, NM_001195532.2); short protein forms Q1068E, Q1080E.
Identifiers: ClinVar variation 1443118 (VCV001443118.7), dbSNP rs2131342579, ClinGen allele CA375061420.
Genomic context (GRCh38, chr9:128,593,029, plus strand): 5'-CCCCCTCTGTGCAGGACACGCATAACTAAGGAGGCCGGCAGTGTATCTCTGCGTATGAAG[C>G]AGGTGGAAGAACTGTGAGTAGGCTGAGAGTCTTGCAGAGCACCAATGTCCACTGCTACCC-3'
Protein context (NP_001123910.1, residues 1058-1078): EAGSVSLRMK[Gln1068Glu]VEELYHSLLE

ClinVar aggregate classification (germline): Uncertain significance (1 of 4 stars; one submission).

Conditions:
Early-infantile DEE. Also called: Early infantile epileptic encephalopathy; Ohtahara syndrome; Early infantile epileptic encephalopathy with suppression bursts. Identifiers: Orphanet 1934, MedGen C0393706, MONDO:0800491.

Submission:

Labcorp Genetics (formerly Invitae), Labcorp
Classification: Uncertain significance for Early-infantile DEE. Last evaluated: 2022-10-14. Review status: criteria provided, single submitter. Criteria: Invitae Variant Classification Sherloc (09022015). Collection method: clinical testing. Allele origin: germline.
Comment: This sequence change replaces glutamine, which is neutral and polar, with glutamic acid, which is acidic and polar, at codon 1068 of the SPTAN1 protein (p.Gln1068Glu). This variant is not present in population databases (gnomAD no frequency). This variant has not been reported in the literature in individuals affected with SPTAN1-related conditions. ClinVar contains an entry for this variant (Variation ID: 1443118). Advanced modeling of protein sequence and biophysical properties (such as structural, functional, and spatial information, amino acid conservation, physicochemical variation, residue mobility, and thermodynamic stability) has been performed at Invitae for this missense variant, however the output from this modeling did not meet the statistical confidence thresholds required to predict the impact of this variant on SPTAN1 protein function. In summary, the available evidence is currently insufficient to determine the role of this variant in disease. Therefore, it has been classified as a Variant of Uncertain Significance.